The following is an entry in ClinVar:

NM_000260.4(MYO7A):c.6350del (p.Val2117fs)

Gene: MYO7A (myosin VIIA; plus strand). Cytogenetic location: 11q13.5.
Variant type: Deletion.
Coding change: c.6350del on transcript NM_000260.4 (MANE Select); coding-DNA position 6350, one base deleted (T; older notation c.6350delT).
Protein change: p.Val2117fs; shifts the reading frame from valine 2117.
Molecular consequence: frameshift variant. On other transcripts: splice donor variant (1).
Genome position (GRCh38, 1-based): chr11:77,211,933, T deleted. VCF-style (leftmost placement, unchanged base first): chr11-77211932-GT-G. GRCh37 (hg19) VCF-style: chr11-76922977-GT-G.
Other names: c.6203del, p.Val2068fs (NM_001369365.1); c.6234+2del (NM_001127180.2); short protein forms V2068fs, V2117fs.
Identifiers: ClinVar variation 1457455 (VCV001457455.6), dbSNP rs2135791473, ClinGen allele CA2573147843.

ClinVar aggregate classification (germline): Pathogenic (1 of 4 stars; one submission).

Submission:

Labcorp Genetics (formerly Invitae), Labcorp
Classification: Pathogenic. Last evaluated: 2022-08-16. Review status: criteria provided, single submitter. Criteria: Invitae Variant Classification Sherloc (09022015). Collection method: clinical testing. Allele origin: germline.
Comment: This variant has not been reported in the literature in individuals affected with MYO7A-related conditions. ClinVar contains an entry for this variant (Variation ID: 1457455). This variant is not present in population databases (gnomAD no frequency). This sequence change creates a premature translational stop signal (p.Val2117Glyfs*14) in the MYO7A gene. It is expected to result in an absent or disrupted protein product. Loss-of-function variants in MYO7A are known to be pathogenic (PMID: 8900236, 25404053). For these reasons, this variant has been classified as Pathogenic. Algorithms developed to predict the effect of sequence changes on RNA splicing suggest that this variant may disrupt the consensus splice site.

Literature cited by the submitters: PubMed 8900236; PubMed 25404053.